The following is an entry in ClinVar:

ClinVar aggregate classification (germline): Uncertain significance (1 of 4 stars; one submission).

gnomAD v4.1: 3 of 1,550,950 alleles (0.00019%); highest among the groups gnomAD compares: Non-Finnish European, 0.00026%; no homozygotes.

Submission:

Labcorp Genetics (formerly Invitae), Labcorp
Classification: Uncertain significance. Last evaluated: 2022-03-13. Review status: criteria provided, single submitter. Criteria: Invitae Variant Classification Sherloc (09022015). Collection method: clinical testing. Allele origin: germline.
Comment: In summary, the available evidence is currently insufficient to determine the role of this variant in disease. Therefore, it has been classified as a Variant of Uncertain Significance. Advanced modeling of protein sequence and biophysical properties (such as structural, functional, and spatial information, amino acid conservation, physicochemical variation, residue mobility, and thermodynamic stability) performed at Invitae indicates that this missense variant is not expected to disrupt DCHS1 protein function. This variant has not been reported in the literature in individuals affected with DCHS1-related conditions. This variant is not present in population databases (gnomAD no frequency). This sequence change replaces asparagine, which is neutral and polar, with aspartic acid, which is acidic and polar, at codon 1001 of the DCHS1 protein (p.Asn1001Asp).

NM_003737.4(DCHS1):c.3001A>G (p.Asn1001Asp)

Gene: DCHS1 (dachsous cadherin-related 1; minus strand). Cytogenetic location: 11p15.4.
Variant type: single nucleotide variant.
Coding change: c.3001A>G on transcript NM_003737.4 (MANE Select); coding-DNA position 3001, A replaced by G.
Protein change: p.Asn1001Asp; replaces asparagine 1001 with aspartic acid.
Molecular consequence: missense variant.
Genome position (GRCh38, 1-based): chr11:6,632,511, T>C on the plus strand (A>G on the coding strand, the complement: DCHS1 is on the minus strand). VCF-style: chr11-6632511-T-C. GRCh37 (hg19) VCF-style: chr11-6653742-T-C.
Other names: short protein forms N1001D.
Identifiers: ClinVar variation 1978441 (VCV001978441.4), dbSNP rs1855926891, ClinGen allele CA379417826.